The following is an entry in ClinVar:

ClinVar aggregate classification (germline): Uncertain significance (1 of 4 stars; one submission).

Conditions:
Hereditary insensitivity to pain with anhidrosis (CIPA). Also called: NEUROPATHY, CONGENITAL SENSORY, WITH ANHIDROSIS; NTRK1 Congenital Insensitivity to Pain with Anhidrosis; hereditary sensory and autonomic neuropathy type 4; FAMILIAL DYSAUTONOMIA, TYPE II; INSENSITIVITY TO PAIN, CONGENITAL, WITH ANHIDROSIS; HSAN Type IV. Identifiers: Orphanet 642, MedGen C0020074, MONDO:0009746, OMIM 256800.

Submission:

Labcorp Genetics (formerly Invitae), Labcorp
Classification: Uncertain significance for Hereditary insensitivity to pain with anhidrosis. Last evaluated: 2023-05-15. Review status: criteria provided, single submitter. Criteria: Invitae Variant Classification Sherloc (09022015). Collection method: clinical testing. Allele origin: germline.
Comment: In summary, the available evidence is currently insufficient to determine the role of this variant in disease. Therefore, it has been classified as a Variant of Uncertain Significance. Advanced modeling of protein sequence and biophysical properties (such as structural, functional, and spatial information, amino acid conservation, physicochemical variation, residue mobility, and thermodynamic stability) performed at Invitae indicates that this missense variant is not expected to disrupt NTRK1 protein function. ClinVar contains an entry for this variant (Variation ID: 2002602). This variant has not been reported in the literature in individuals affected with NTRK1-related conditions. This variant is not present in population databases (gnomAD no frequency). This sequence change replaces histidine, which is basic and polar, with tyrosine, which is neutral and polar, at codon 185 of the NTRK1 protein (p.His185Tyr).

NM_002529.4(NTRK1):c.553C>T (p.His185Tyr)

Gene: NTRK1 (neurotrophic receptor tyrosine kinase 1; plus strand). Cytogenetic location: 1q23.1.
Variant type: single nucleotide variant.
Coding change: c.553C>T on transcript NM_002529.4 (MANE Select); coding-DNA position 553, C replaced by T.
Protein change: p.His185Tyr; replaces histidine 185 with tyrosine.
Molecular consequence: missense variant.
Genome position (GRCh38, 1-based): chr1:156,868,228, C>T. VCF-style: chr1-156868228-C-T. GRCh37 (hg19) VCF-style: chr1-156838020-C-T.
Other names: c.553C>T, p.His185Tyr (NM_001007204.1, NM_001012331.2); c.463C>T, p.His155Tyr (NM_001007792.1); short protein forms H185Y, H155Y.
Identifiers: ClinVar variation 2002602 (VCV002002602.4), dbSNP rs1647288093, ClinGen allele CA342934004.